The following is an entry in ClinVar:

NM_000455.5(STK11):c.1165G>A (p.Ala389Thr)

Gene: STK11 (serine/threonine kinase 11; plus strand). Cytogenetic location: 19p13.3.
Variant type: single nucleotide variant.
Coding change: c.1165G>A on transcript NM_000455.5 (MANE Select); coding-DNA position 1165, G replaced by A.
Protein change: p.Ala389Thr; replaces alanine 389 with threonine.
Molecular consequence: missense variant. On other transcripts: non-coding transcript variant (1).
Genome position (GRCh38, 1-based): chr19:1,226,510, G>A. VCF-style: chr19-1226510-G-A. GRCh37 (hg19) VCF-style: chr19-1226509-G-A.
Other names: short protein forms A389T.
Identifiers: ClinVar variation 2782674 (VCV002782674.4), dbSNP rs1555740118, ClinGen allele CA402953464.

ClinVar aggregate classification (germline): Conflicting classifications of pathogenicity. Review status: criteria provided, conflicting classifications (1 of 4 stars). 2 submissions from 2 submitters: Uncertain significance (1); Likely benign (1). Last evaluated 2025-07-29.

Conditions:
Hereditary cancer-predisposing syndrome. Also called: Hereditary Cancer Syndrome; Hereditary neoplastic syndrome; Tumor predisposition; Neoplastic Syndromes, Hereditary. Identifiers: Orphanet 140162, MedGen C0027672, MeSH D009386, MONDO:0015356.
Peutz-Jeghers syndrome (PJS). Also called: POLYPOSIS, HAMARTOMATOUS INTESTINAL; POLYPS-AND-SPOTS SYNDROME; Peutz-Jeghers polyposis; Periorificial lentiginosis syndrome. Identifiers: Orphanet 2869, MedGen C0031269, MeSH D010580, MONDO:0008280, OMIM 175200.

Submissions (2):

Labcorp Genetics (formerly Invitae), Labcorp
Classification: Uncertain significance for Peutz-Jeghers syndrome. Last evaluated: 2025-07-29. Review status: criteria provided, single submitter. Criteria: Invitae Variant Classification Sherloc (09022015). Collection method: clinical testing. Allele origin: germline.
Comment: This sequence change replaces alanine, which is neutral and non-polar, with threonine, which is neutral and polar, at codon 389 of the STK11 protein (p.Ala389Thr). This variant is not present in population databases (gnomAD no frequency). This variant has not been reported in the literature in individuals affected with STK11-related conditions. ClinVar contains an entry for this variant (Variation ID: 2782674). Invitae Evidence Modeling of protein sequence and biophysical properties (such as structural, functional, and spatial information, amino acid conservation, physicochemical variation, residue mobility, and thermodynamic stability) indicates that this missense variant is not expected to disrupt STK11 protein function with a negative predictive value of 95%. In summary, the available evidence is currently insufficient to determine the role of this variant in disease. Therefore, it has been classified as a Variant of Uncertain Significance.

Ambry Genetics
Classification: Likely benign for Hereditary cancer-predisposing syndrome. Last evaluated: 2025-06-11. Review status: criteria provided, single submitter. Criteria: Ambry Variant Classification Scheme 2023. Collection method: clinical testing. Allele origin: germline.